The following is an entry in ClinVar:

NM_004863.4(SPTLC2):c.365A>G (p.Tyr122Cys)

Gene: SPTLC2 (serine palmitoyltransferase long chain base subunit 2; minus strand). Cytogenetic location: 14q24.3.
Variant type: single nucleotide variant.
Coding change: c.365A>G on transcript NM_004863.4 (MANE Select); coding-DNA position 365, A replaced by G.
Protein change: p.Tyr122Cys; replaces tyrosine 122 with cysteine.
Molecular consequence: missense variant.
Genome position (GRCh38, 1-based): chr14:77,579,072, T>C on the plus strand (A>G on the coding strand, the complement: SPTLC2 is on the minus strand). VCF-style: chr14-77579072-T-C. GRCh37 (hg19) VCF-style: chr14-78045415-T-C.
Other names: short protein forms Y122C.
Identifiers: ClinVar variation 1254808 (VCV001254808.3), dbSNP rs1490373966, ClinGen allele CA390701080.

ClinVar aggregate classification (germline): Uncertain significance. Review status: criteria provided, multiple submitters, no conflicts (2 of 4 stars). 2 submissions from 2 submitters: Uncertain significance (2). Last evaluated 2021-09-07.

Allele frequency attached by ClinVar (database versions not stated): gnomAD exomes below 0.00001; gnomAD 0.00001; TOPMed 0.00001.
gnomAD v4.1: 7 of 1,614,028 alleles (0.00043%); highest among the groups gnomAD compares: Non-Finnish European, 0.00059%; no homozygotes.

Submissions (2):

GeneDx
Classification: Uncertain significance. Last evaluated: 2021-09-07. Review status: criteria provided, single submitter. Criteria: GeneDx Variant Classification Process June 2021. Collection method: clinical testing. Allele origin: germline. Affected: yes.
Comment: Not observed at significant frequency in large population cohorts (Lek et al., 2016); In silico analysis supports that this missense variant has a deleterious effect on protein structure/function; Has not been previously published as pathogenic or benign to our knowledge

Blueprint Genetics
Classification: Uncertain significance. Last evaluated: 2020-08-04. Review status: criteria provided, single submitter. Criteria: ACMG Guidelines, 2015. Collection method: clinical testing. Allele origin: germline.